The following is an entry in ClinVar:

ClinVar aggregate classification (germline): Uncertain significance (1 of 4 stars; one submission).

gnomAD v4.1: 27 of 1,209,813 alleles (0.0022%); highest among the groups gnomAD compares: Non-Finnish European, 0.0029%; no homozygotes.

Submission:

Labcorp Genetics (formerly Invitae), Labcorp
Classification: Uncertain significance. Last evaluated: 2025-01-23. Review status: criteria provided, single submitter. Criteria: Invitae Variant Classification Sherloc (09022015). Collection method: clinical testing. Allele origin: germline.
Comment: This sequence change replaces alanine, which is neutral and non-polar, with serine, which is neutral and polar, at codon 1354 of the COL4A6 protein (p.Ala1354Ser). This variant is present in population databases (no rsID available, gnomAD 0.004%). This variant has not been reported in the literature in individuals affected with COL4A6-related conditions. Invitae Evidence Modeling of protein sequence and biophysical properties (such as structural, functional, and spatial information, amino acid conservation, physicochemical variation, residue mobility, and thermodynamic stability) indicates that this missense variant is not expected to disrupt COL4A6 protein function with a negative predictive value of 80%. In summary, the available evidence is currently insufficient to determine the role of this variant in disease. Therefore, it has been classified as a Variant of Uncertain Significance.

NM_033641.4(COL4A6):c.4057G>T (p.Ala1353Ser)

Gene: COL4A6 (collagen type IV alpha 6 chain; minus strand). Cytogenetic location: Xq22.3.
Variant type: single nucleotide variant.
Coding change: c.4057G>T on transcript NM_033641.4 (MANE Select); coding-DNA position 4057, G replaced by T.
Protein change: p.Ala1353Ser; replaces alanine 1353 with serine.
Molecular consequence: missense variant. On other transcripts: intron variant (1).
Genome position (GRCh38, 1-based): chrX:108,164,612, C>A on the plus strand (G>T on the coding strand, the complement: COL4A6 is on the minus strand). VCF-style: chrX-108164612-C-A. GRCh37 (hg19) VCF-style: chrX-107407842-C-A.
Other names: c.4108G>T, p.Ala1370Ser (NM_001287758.2); c.3985G>T, p.Ala1329Ser (NM_001287759.2); c.4060G>T, p.Ala1354Ser (NM_001847.4); c.3898+265G>T (NM_001287760.2); short protein forms A1329S, A1353S, A1354S, A1370S.
Identifiers: ClinVar variation 3628260 (VCV003628260.2).
Genomic context (GRCh38, chrX:108,164,612, plus strand): 5'-GCCCCTCCCTCGAGCTCTGGATCAGCCCAGCACATGCTCTCAACTTACCTCTTGGCCCTG[C>A]CTTCCCCTTCATTCCGGGAAATCCTGGGTCTCCAGGTGGCCCAACCTTGCCTGGAGTCCC-3'
Protein context (NP_378667.1, residues 1343-1363): DPGFPGMKGK[Ala1353Ser]GPRGSSGLQG